The following is an entry in ClinVar:

ClinVar aggregate classification (germline): Benign. Review status: criteria provided, multiple submitters, no conflicts (2 of 4 stars). 10 submissions from 10 submitters: Benign (8). 2 of the submissions do not count toward it. Last evaluated 2026-02-02.

Conditions:
Inborn genetic diseases. Identifiers: MedGen C0950123, MeSH D030342.
Cohen syndrome (COH1). Also called: Cutis verticis gyrata, retinitis pigmentosa, and sensorineural deafness; PEPPER SYNDROME. Identifiers: Orphanet 193, MedGen C0265223, MONDO:0008999, OMIM 216550.

Allele frequency attached by ClinVar (database versions not stated): gnomAD exomes 0.00102 and 0.00279; ExAC 0.00359; gnomAD 0.01113 and 0.01189; TOPMed 0.01225; 1000 Genomes Project 0.01278; ESP Exome Variant Server 0.01361; 1000 Genomes Project 30x 0.01390.
gnomAD v4.1: 3,230 of 1,614,180 alleles (0.2%); highest among the groups gnomAD compares: African/African-American, 3.8%; 68 homozygotes.

Submissions (10):

Labcorp Genetics (formerly Invitae), Labcorp
Classification: Benign for Cohen syndrome. Last evaluated: 2026-02-02. Review status: criteria provided, single submitter. Criteria: Invitae Variant Classification Sherloc (09022015). Collection method: clinical testing. Allele origin: germline.

Women's Health and Genetics/Laboratory Corporation of America, LabCorp
Classification: Benign. Last evaluated: 2026-01-22. Review status: criteria provided, single submitter. Criteria: LabCorp Variant Classification Summary - May 2015. Collection method: clinical testing. Allele origin: germline.

Athena Diagnostics
Classification: Benign. Last evaluated: 2024-11-25. Review status: criteria provided, single submitter. Criteria: Athena Diagnostics Criteria. Collection method: clinical testing. Allele origin: unknown.

Mayo Clinic Laboratories, Mayo Clinic
Classification: Benign. Last evaluated: 2020-09-01. Review status: criteria provided, single submitter. Criteria: ACMG Guidelines, 2015. Collection method: clinical testing. Allele origin: germline. Observed: 10 variant alleles.

GeneDx
Classification: Benign. Last evaluated: 2018-09-05. Review status: criteria provided, single submitter. Criteria: GeneDx Variant Classification Process June 2021. Collection method: clinical testing. Allele origin: germline. Affected: yes.

Illumina Laboratory Services, Illumina
Classification: Benign for Cohen syndrome. Last evaluated: 2018-01-13. Review status: criteria provided, single submitter. Criteria: ICSL Variant Classification Criteria 13 December 2019. Collection method: clinical testing. Allele origin: germline.
Comment: This variant was observed in the ICSL laboratory as part of a predisposition screen in an ostensibly healthy population. It had not been previously curated by ICSL or reported in the Human Gene Mutation Database (HGMD: prior to June 1st, 2018), and was therefore a candidate for classification through an automated scoring system. Utilizing variant allele frequency, disease prevalence and penetrance estimates, and inheritance mode, an automated score was calculated to assess if this variant is too frequent to cause the disease. Based on the score and internal cut-off values, a variant classified as benign is not then subjected to further curation. The score for this variant resulted in a classification of benign for this disease.

Ambry Genetics
Classification: Benign for Inborn genetic diseases. Last evaluated: 2016-06-06. Review status: criteria provided, single submitter. Criteria: Ambry Variant Classification Scheme 2023. Collection method: clinical testing. Allele origin: germline.

Breakthrough Genomics
Classification: Benign. Review status: criteria provided, single submitter. Criteria: ACMG Guidelines, 2015. Collection method: not provided. Allele origin: germline. Inheritance: Autosomal recessive inheritance. Affected: yes.

Natera, Inc.
Classification: Benign for Cohen syndrome. Last evaluated: 2020-09-16. Review status: no assertion criteria provided. Collection method: clinical testing. Allele origin: germline. Not counted in ClinVar's aggregate classification.

Genetic Services Laboratory, University of Chicago
Classification: Likely benign for AllHighlyPenetrant. Review status: no assertion criteria provided. Collection method: clinical testing. Allele origin: germline. Inheritance: Autosomal recessive inheritance. Not counted in ClinVar's aggregate classification.
Comment: Likely benign based on allele frequency in 1000 Genomes Project or ESP global frequency and its presence in a patient with a rare or unrelated disease phenotype. NOT Sanger confirmed.

NM_152564.5(VPS13B):c.10155G>A (p.Glu3385=)

Gene: VPS13B (vacuolar protein sorting 13 homolog B; plus strand). Cytogenetic location: 8q22.2.
Variant type: single nucleotide variant.
Coding change: c.10155G>A on transcript NM_152564.5 (MANE Select); coding-DNA position 10155, G replaced by A.
Protein change: p.Glu3385=; no amino-acid change (glutamic acid 3385 retained).
Molecular consequence: synonymous variant.
Genome position (GRCh38, 1-based): chr8:99,853,544, G>A. VCF-style: chr8-99853544-G-A. GRCh37 (hg19) VCF-style: chr8-100865772-G-A.
Other names: p.Glu3410=; c.10230G>A, p.Glu3410= (NM_017890.5).
Identifiers: ClinVar variation 130718 (VCV000130718.31), dbSNP rs115369860, ClinGen allele CA155936.
Genomic context (GRCh38, chr8:99,853,544, plus strand): 5'-CATCACTCAGTTAAGCCTGGCAGTGTTTGATGACCTCACCCACCACAAAGCATCAGCTGA[G>A]CTTCTGAGACTCACACTGGACAACATTTTTCTCTGTGTGGCCCCGGGAGCTGGTCCCCTC-3'
Protein context (NP_689777.3, residues 3375-3395): DDLTHHKASA[Glu3385=]LLRLTLDNIF